The following is an entry in ClinVar:

NM_024753.5(TTC21B):c.3798G>A (p.Pro1266=)

Gene: TTC21B (tetratricopeptide repeat domain 21B; minus strand). Cytogenetic location: 2q24.3.
Variant type: single nucleotide variant.
Coding change: c.3798G>A on transcript NM_024753.5 (MANE Select); coding-DNA position 3798, G replaced by A.
Protein change: p.Pro1266=; no amino-acid change (proline 1266 retained).
Molecular consequence: synonymous variant.
Genome position (GRCh38, 1-based): chr2:165,880,686, C>T on the plus strand (G>A on the coding strand, the complement: TTC21B is on the minus strand). VCF-style: chr2-165880686-C-T. GRCh37 (hg19) VCF-style: chr2-166737196-C-T.
Other names: c.3798G>A (NM_024753.4).
Identifiers: ClinVar variation 1149489 (VCV001149489.12), dbSNP rs767458935, ClinGen allele CA1941400.

ClinVar aggregate classification (germline): Likely benign. Review status: criteria provided, multiple submitters, no conflicts (2 of 4 stars). 3 submissions from 3 submitters: Likely benign (2). 1 of the submissions does not count toward it. Last evaluated 2025-07-21.

Conditions:
Nephronophthisis. Also called: Juvenile Nephronophthisis. Identifiers: Orphanet 655, MedGen C0687120, MONDO:0019005, HP:0000090.
Jeune thoracic dystrophy. Also called: Jeune syndrome; Infantile thoracic dystrophy; Thoracic pelvic phalangeal dystrophy; Jeune's syndrome; Chondroectodermal dysplasia-like syndrome; Short-rib thoracic dysplasia. Identifiers: Orphanet 474, MedGen C0265275, MONDO:0018770.
TTC21B-related disorder. Also called: TTC21B-related disorders; TTC21B-related condition.

Allele frequency attached by ClinVar (database versions not stated): ExAC 0.00002; gnomAD exomes 0.00002 and 0.00004; TOPMed 0.00002.
gnomAD v4.1: 31 of 1,613,490 alleles (0.0019%); highest among the groups gnomAD compares: South Asian, 0.0088%; no homozygotes.

Submissions (3):

Labcorp Genetics (formerly Invitae), Labcorp
Classification: Likely benign for Jeune thoracic dystrophy; Nephronophthisis. Last evaluated: 2025-07-21. Review status: criteria provided, single submitter. Criteria: Invitae Variant Classification Sherloc (09022015). Collection method: clinical testing. Allele origin: germline.

Blueprint Genetics
Classification: Likely benign. Last evaluated: 2020-12-14. Review status: criteria provided, single submitter. Criteria: ACMG Guidelines, 2015. Collection method: clinical testing. Allele origin: germline.

PreventionGenetics, part of Exact Sciences
Classification: Likely benign for TTC21B-related condition. Last evaluated: 2022-04-28. Review status: no assertion criteria provided. Collection method: clinical testing. Allele origin: germline. Not counted in ClinVar's aggregate classification.
Comment: This variant is classified as likely benign based on ACMG/AMP sequence variant interpretation guidelines (Richards et al. 2015 PMID: 25741868, with internal and published modifications).